The following is an entry in ClinVar:

NM_001843.4(CNTN1):c.1466A>T (p.Asn489Ile)

Gene: CNTN1 (contactin 1; plus strand). Cytogenetic location: 12q12.
Variant type: single nucleotide variant.
Coding change: c.1466A>T on transcript NM_001843.4 (MANE Select); coding-DNA position 1466, A replaced by T.
Protein change: p.Asn489Ile; replaces asparagine 489 with isoleucine.
Molecular consequence: missense variant.
Genome position (GRCh38, 1-based): chr12:40,943,683, A>T. VCF-style: chr12-40943683-A-T. GRCh37 (hg19) VCF-style: chr12-41337485-A-T.
Other names: c.1466A>T, p.Asn489Ile (NM_001256063.2, NM_001256064.2); c.1433A>T, p.Asn478Ile (NM_175038.2); short protein forms N489I, N478I.
Identifiers: ClinVar variation 573539 (VCV000573539.10), dbSNP rs573923461, ClinGen allele CA6516864.
Genomic context (GRCh38, chr12:40,943,683, plus strand): 5'-TGGAAATCAACAACATTACAAGGAATGATGGAGGTATCTATACATGCTTTGCAGAAAATA[A>T]CAGAGGGAAAGCTAATAGCACTGGAACCCTTGTTATCACAGGTAAGTTAATGTTTGAGGG-3'
Protein context (NP_001834.2, residues 479-499): GGIYTCFAEN[Asn489Ile]RGKANSTGTL

ClinVar aggregate classification (germline): Uncertain significance (1 of 4 stars; one submission).

Conditions:
Compton-North congenital myopathy (CMYO12). Identifiers: Orphanet 210163, MedGen C2675527, MONDO:0012929, OMIM 612540.

Allele frequency attached by ClinVar (database versions not stated): gnomAD 0.00005 and 0.00006; TOPMed 0.00005; gnomAD exomes 0.00010; ExAC 0.00018.
gnomAD v4.1: 92 of 1,612,674 alleles (0.0057%); highest among the groups gnomAD compares: Non-Finnish European, 0.0074%; no homozygotes.

Submission:

Labcorp Genetics (formerly Invitae), Labcorp
Classification: Uncertain significance for Compton-North congenital myopathy. Last evaluated: 2025-12-08. Review status: criteria provided, single submitter. Criteria: Invitae Variant Classification Sherloc (09022015). Collection method: clinical testing. Allele origin: germline.
Comment: This sequence change replaces asparagine, which is neutral and polar, with isoleucine, which is neutral and non-polar, at codon 489 of the CNTN1 protein (p.Asn489Ile). The frequency data for this variant in the population databases is considered unreliable, as metrics indicate poor data quality at this position in the gnomAD database. This variant has not been reported in the literature in individuals affected with CNTN1-related conditions. ClinVar contains an entry for this variant (Variation ID: 573539). Invitae Evidence Modeling of protein sequence and biophysical properties (such as structural, functional, and spatial information, amino acid conservation, physicochemical variation, residue mobility, and thermodynamic stability) indicates that this missense variant is not expected to disrupt CNTN1 protein function with a negative predictive value of 95%. In summary, the available evidence is currently insufficient to determine the role of this variant in disease. Therefore, it has been classified as a Variant of Uncertain Significance.